The following is an entry in ClinVar:

ClinVar aggregate classification (germline): Uncertain significance (1 of 4 stars; one submission).

Conditions:
Primary ciliary dyskinesia 33. Also called: CILIARY DYSKINESIA, PRIMARY, 33, WITHOUT SITUS INVERSUS. Identifiers: Orphanet 244, MedGen C4225230, MONDO:0014750, OMIM 616726.

Allele frequency attached by ClinVar (database versions not stated): ExAC 0.00006; 1000 Genomes Project 0.00020; 1000 Genomes Project 30x 0.00031.
gnomAD v4.1: 36 of 1,613,568 alleles (0.0022%); highest among the groups gnomAD compares: African/African-American, 0.0093%; no homozygotes.

Submission:

Labcorp Genetics (formerly Invitae), Labcorp
Classification: Uncertain significance for Primary ciliary dyskinesia 33. Last evaluated: 2022-02-07. Review status: criteria provided, single submitter. Criteria: Invitae Variant Classification Sherloc (09022015). Collection method: clinical testing. Allele origin: germline.
Comment: In summary, the available evidence is currently insufficient to determine the role of this variant in disease. Therefore, it has been classified as a Variant of Uncertain Significance. Algorithms developed to predict the effect of missense changes on protein structure and function are either unavailable or do not agree on the potential impact of this missense change (SIFT: "Deleterious"; PolyPhen-2: "Probably Damaging"; Align-GVGD: "Class C0"). This variant has not been reported in the literature in individuals affected with GAS8-related conditions. This variant is present in population databases (rs201393259, gnomAD 0.008%). This sequence change replaces arginine, which is basic and polar, with glutamine, which is neutral and polar, at codon 46 of the GAS8 protein (p.Arg46Gln).

NM_001481.3(DRC4):c.137G>A (p.Arg46Gln)

Gene: DRC4 (dynein regulatory complex subunit 4; plus strand). Cytogenetic location: 16q24.3.
Variant type: single nucleotide variant.
Coding change: c.137G>A on transcript NM_001481.3 (MANE Select); coding-DNA position 137, G replaced by A.
Protein change: p.Arg46Gln; replaces arginine 46 with glutamine.
Molecular consequence: missense variant. On other transcripts: 5 prime UTR variant (2).
Genome position (GRCh38, 1-based): chr16:90,031,345, G>A. VCF-style: chr16-90031345-G-A. GRCh37 (hg19) VCF-style: chr16-90097753-G-A.
Other names: c.-113G>A (NM_001286205.2); c.-385G>A (NM_001286208.2); c.62G>A, p.Arg21Gln (NM_001286209.2); short protein forms R21Q, R46Q.
Identifiers: ClinVar variation 2070410 (VCV002070410.2), dbSNP rs201393259, ClinGen allele CA8257691.